The following is an entry in ClinVar:

NC_000017.11:g.12665754T>C

Gene: MYOCD (myocardin; plus strand). Cytogenetic location: 17p12.
Variant type: single nucleotide variant.
Genome position: GRCh38 VCF-style: chr17-12665754-T-C. GRCh37 (hg19) VCF-style: chr17-12569071-T-C.
Identifiers: ClinVar variation 1253022 (VCV001253022.3), dbSNP rs758187, ClinGen allele CA14473237.
Genomic context (GRCh38, chr17:12,665,754, plus strand): 5'-CTGCTCCCGCCCTCTGTGCCTCGGCGGCTGCGGGGCCCGCCGCAAAGAGTTAAGAGCCGG[T>C]TCCCGAGACGGCTTCGGCGGCTCCGGGTCCCCAGACCCCGCTCGCCGCTCCTGATTGGCT-3'

ClinVar aggregate classification (germline): Benign (1 of 4 stars; one submission).

Allele frequency attached by ClinVar (database versions not stated): gnomAD exomes 0.23257; 1000 Genomes Project 0.37460; gnomAD 0.38160 and 0.39328; 1000 Genomes Project 30x 0.38492; TOPMed 0.40319.

Submission:

GeneDx
Classification: Benign. Last evaluated: 2018-11-12. Review status: criteria provided, single submitter. Criteria: GeneDx Variant Classification Process June 2021. Collection method: clinical testing. Allele origin: germline. Affected: yes.
Comment: This variant is associated with the following publications: (PMID: 18028454)